The following is an entry in ClinVar:

NM_005035.4(POLRMT):c.3496-5C>T

Gene: POLRMT (RNA polymerase mitochondrial; minus strand). Cytogenetic location: 19p13.3.
Variant type: single nucleotide variant.
Coding change: c.3496-5C>T on transcript NM_005035.4 (MANE Select); 5 bases into the intron before coding-DNA position 3496, C replaced by T.
Molecular consequence: intron variant.
Genome position (GRCh38, 1-based): chr19:617,660, G>A on the plus strand (C>T on the coding strand, the complement: POLRMT is on the minus strand). VCF-style: chr19-617660-G-A. GRCh37 (hg19) VCF-style: chr19-617660-G-A.
Other names: c.3454-5C>T (NM_001407813.1); c.3475-5C>T (NM_001407811.1); c.3484-5C>T (NM_001407810.1); c.3505-5C>T (NM_001407807.1, NM_001407808.1); c.3487-5C>T (NM_001407809.1); c.3508-5C>T (NM_001407806.1); c.3172-5C>T (NM_001407832.1, NM_001407833.1); c.3271-5C>T (NM_001407830.1); and 10 more.
Identifiers: ClinVar variation 2573538 (VCV002573538.1), dbSNP rs2512473345, ClinGen allele CA2576537238.

ClinVar aggregate classification (germline): Uncertain significance (1 of 4 stars; one submission).

Allele frequency attached by ClinVar (database versions not stated): gnomAD exomes below 0.00001.
gnomAD v4.1: 3 of 1,612,506 alleles (0.00019%); highest among the groups gnomAD compares: Non-Finnish European, 0.00025%; no homozygotes.

Submission:

Women's Health and Genetics/Laboratory Corporation of America, LabCorp
Classification: Uncertain significance. Last evaluated: 2023-06-22. Review status: criteria provided, single submitter. Criteria: LabCorp Variant Classification Summary - May 2015. Collection method: clinical testing. Allele origin: germline.
Comment: Variant summary: POLRMT c.3496-5C>T alters a non-conserved nucleotide located close to a canonical splice site and therefore could affect mRNA splicing, leading to a significantly altered protein sequence. 4/4 computational tools predict no significant impact on normal splicing. However, these predictions have yet to be confirmed by functional studies. The variant was absent in 249274 control chromosomes (gnomAD). The available data on variant occurrences in the general population are insufficient to allow any conclusion about variant significance. To our knowledge, no occurrence of c.3496-5C>T in individuals affected with Combined Oxidative Phosphorylation Deficiency 55 and no experimental evidence demonstrating its impact on protein function have been reported. No submitters have cited clinical-significance assessments for this variant to ClinVar after 2014. Based on the evidence outlined above, the variant was classified as uncertain significance.